The following is an entry in ClinVar:

ClinVar aggregate classification (germline): Uncertain significance (1 of 4 stars; one submission).

Allele frequency attached by ClinVar (database versions not stated): ExAC 0.00001; gnomAD 0.00001; gnomAD exomes 0.00001 and 0.00003; TOPMed 0.00001.
gnomAD v4.1: 18 of 1,613,948 alleles (0.0011%); highest among the groups gnomAD compares: South Asian, 0.014%; no homozygotes.

Submission:

GeneDx
Classification: Uncertain significance. Last evaluated: 2017-03-01. Review status: criteria provided, single submitter. Criteria: GeneDx Variant Classification (06012015). Collection method: clinical testing. Allele origin: germline. Affected: yes.
Comment: The R927Q variant in the TRAPPC9 gene has not been reported previously as a pathogenic variant, nor as a benign variant, to our knowledge. The R927Q variant is not observed at a significant frequency in large population cohorts (Lek et al., 2016; 1000 Genomes Consortium et al., 2015; Exome Variant Server). The R927Q variant is a semi-conservative amino acid substitution, which may impact secondary protein structure as these residues differ in some properties. This substitution occurs at a position where amino acids with similar properties to Arginine are tolerated across species. In silico analysis is inconsistent in its predictions as to whether or not the variant is damaging to the protein structure/function. We interpret R927Q as a variant of uncertain significance.

NM_001160372.4(TRAPPC9):c.2486G>A (p.Arg829Gln)

Gene: TRAPPC9 (trafficking protein particle complex subunit 9; minus strand). Cytogenetic location: 8q24.3.
Variant type: single nucleotide variant.
Coding change: c.2486G>A on transcript NM_001160372.4 (MANE Select); coding-DNA position 2486, G replaced by A.
Protein change: p.Arg829Gln; replaces arginine 829 with glutamine.
Molecular consequence: missense variant. On other transcripts: non-coding transcript variant (1).
Genome position (GRCh38, 1-based): chr8:140,221,529, C>T on the plus strand (G>A on the coding strand, the complement: TRAPPC9 is on the minus strand). VCF-style: chr8-140221529-C-T. GRCh37 (hg19) VCF-style: chr8-141231628-C-T.
Other names: c.2459G>A, p.Arg820Gln (NM_001321646.2); c.2507G>A, p.Arg836Gln (NM_001374682.1); c.2486G>A, p.Arg829Gln (NM_001374683.1, NM_031466.8); c.2342G>A, p.Arg781Gln (NM_001374684.1); short protein forms R829Q, R820Q, R781Q, R836Q.
Identifiers: ClinVar variation 424037 (VCV000424037.2), dbSNP rs752544161, ClinGen allele CA4893076.